The following is an entry in ClinVar:

NM_001358921.2(COQ2):c.261G>A (p.Trp87Ter)

Gene: COQ2 (coenzyme Q2, polyprenyltransferase; minus strand). Cytogenetic location: 4q21.23.
Variant type: single nucleotide variant.
Coding change: c.261G>A on transcript NM_001358921.2 (MANE Select); coding-DNA position 261, G replaced by A.
Protein change: p.Trp87Ter; replaces tryptophan 87 with a stop codon.
Molecular consequence: nonsense.
Genome position (GRCh38, 1-based): chr4:83,279,107, C>T on the plus strand (G>A on the coding strand, the complement: COQ2 is on the minus strand). VCF-style: chr4-83279107-C-T. GRCh37 (hg19) VCF-style: chr4-84200260-C-T.
Other names: c.411G>A, p.Trp137Ter (NM_015697.9); short protein forms W137*, W87*.
Identifiers: ClinVar variation 2444449 (VCV002444449.5), dbSNP rs867410805, ClinGen allele CA100655062.

ClinVar aggregate classification (germline): Pathogenic/Likely pathogenic. Review status: criteria provided, multiple submitters, no conflicts (2 of 4 stars). 2 submissions from 2 submitters: Pathogenic (1); Likely pathogenic (1). Last evaluated 2024-01-14.

Conditions:
Neonatal encephalopathy. Identifiers: MedGen C0235820.

gnomAD v4.1: 4 of 1,555,972 alleles (0.00026%); highest among the groups gnomAD compares: Non-Finnish European, 0.00035%; no homozygotes.

Submissions (2):

Labcorp Genetics (formerly Invitae), Labcorp
Classification: Pathogenic. Last evaluated: 2024-01-14. Review status: criteria provided, single submitter. Criteria: Invitae Variant Classification Sherloc (09022015). Collection method: clinical testing. Allele origin: germline.
Comment: This sequence change creates a premature translational stop signal (p.Trp137*) in the COQ2 gene. It is expected to result in an absent or disrupted protein product. Loss-of-function variants in COQ2 are known to be pathogenic (PMID: 16400613, 17374725). This variant is not present in population databases (gnomAD no frequency). This variant has not been reported in the literature in individuals affected with COQ2-related conditions. ClinVar contains an entry for this variant (Variation ID: 2444449). For these reasons, this variant has been classified as Pathogenic.

The International Centre for Genetic Engineering and Biotechnology China Regional Research Centre
Classification: Likely pathogenic for Neonatal encephalopathy. Last evaluated: 2022-07-01. Review status: criteria provided, single submitter. Criteria: ACMG Guidelines, 2015. Collection method: clinical testing. Allele origin: paternal. Affected: yes. Observed: 1 variant allele.

Literature cited by the submitters: PubMed 16400613 (cited by Labcorp Genetics (formerly Invitae), Labcorp); PubMed 17374725 (cited by Labcorp Genetics (formerly Invitae), Labcorp).